The following is an entry in ClinVar:

ClinVar aggregate classification (germline): Uncertain significance (1 of 4 stars; one submission).

Allele frequency attached by ClinVar (database versions not stated): gnomAD exomes below 0.00001; TOPMed below 0.00001; ExAC 0.00001; gnomAD 0.00001.
gnomAD v4.1: 1 of 1,613,878 alleles (0.000062%); highest among the groups gnomAD compares: African/African-American, 0.0013%; no homozygotes.

Submission:

Labcorp Genetics (formerly Invitae), Labcorp
Classification: Uncertain significance. Last evaluated: 2022-11-01. Review status: criteria provided, single submitter. Criteria: Invitae Variant Classification Sherloc (09022015). Collection method: clinical testing. Allele origin: germline.
Comment: Advanced modeling of protein sequence and biophysical properties (such as structural, functional, and spatial information, amino acid conservation, physicochemical variation, residue mobility, and thermodynamic stability) performed at Invitae indicates that this missense variant is not expected to disrupt POLR3A protein function. In summary, the available evidence is currently insufficient to determine the role of this variant in disease. Therefore, it has been classified as a Variant of Uncertain Significance. This sequence change replaces threonine, which is neutral and polar, with isoleucine, which is neutral and non-polar, at codon 199 of the POLR3A protein (p.Thr199Ile). This variant is present in population databases (rs773246544, gnomAD 0.007%). This variant has not been reported in the literature in individuals affected with POLR3A-related conditions. ClinVar contains an entry for this variant (Variation ID: 1377410).

NM_007055.4(POLR3A):c.596C>T (p.Thr199Ile)

Gene: POLR3A (RNA polymerase III subunit A; minus strand). Cytogenetic location: 10q22.3.
Variant type: single nucleotide variant.
Coding change: c.596C>T on transcript NM_007055.4 (MANE Select); coding-DNA position 596, C replaced by T.
Protein change: p.Thr199Ile; replaces threonine 199 with isoleucine.
Molecular consequence: missense variant.
Genome position (GRCh38, 1-based): chr10:78,024,598, G>A on the plus strand (C>T on the coding strand, the complement: POLR3A is on the minus strand). VCF-style: chr10-78024598-G-A. GRCh37 (hg19) VCF-style: chr10-79784356-G-A.
Other names: short protein forms T199I.
Identifiers: ClinVar variation 1377410 (VCV001377410.6), dbSNP rs773246544, ClinGen allele CA5571659.